The following is an entry in ClinVar:

NM_000465.4(BARD1):c.473T>A (p.Val158Glu)

Gene: BARD1 (BRCA1 associated RING domain 1; minus strand). Cytogenetic location: 2q35.
Variant type: single nucleotide variant.
Coding change: c.473T>A on transcript NM_000465.4 (MANE Select); coding-DNA position 473, T replaced by A.
Protein change: p.Val158Glu; replaces valine 158 with glutamic acid.
Molecular consequence: missense variant. On other transcripts: non-coding transcript variant (2), intron variant (3).
Genome position (GRCh38, 1-based): chr2:214,781,401, A>T on the plus strand (T>A on the coding strand, the complement: BARD1 is on the minus strand). VCF-style: chr2-214781401-A-T. GRCh37 (hg19) VCF-style: chr2-215646125-A-T.
Other names: p.V158E:GTG>GAG; c.416T>A, p.Val139Glu (NM_001282543.2); c.158+28011T>A (NM_001282548.2); c.215+15660T>A (NM_001282545.2); c.364+10896T>A (NM_001282549.2); short protein forms V158E, V139E.
Identifiers: ClinVar variation 182039 (VCV000182039.22), dbSNP rs730881414, ClinGen allele CA298450.

ClinVar aggregate classification (germline): Uncertain significance. Review status: criteria provided, multiple submitters, no conflicts (2 of 4 stars). 6 submissions from 6 submitters: Uncertain significance (6). Last evaluated 2026-01-28.

Conditions:
BARD1-related disorder. Also called: BARD1-related condition.
Hereditary cancer-predisposing syndrome. Also called: Neoplastic Syndromes, Hereditary; Tumor predisposition; Hereditary neoplastic syndrome; Hereditary Cancer Syndrome. Identifiers: Orphanet 140162, MedGen C0027672, MeSH D009386, MONDO:0015356.
Familial cancer of breast. Also called: Hereditary breast cancer; BREAST CANCER, FAMILIAL; hereditary breast carcinoma. Identifiers: Orphanet 227535, MedGen C0346153, MONDO:0016419, OMIM 114480. Disease mechanism: loss of function.

Allele frequency attached by ClinVar (database versions not stated): gnomAD 0.00001; TOPMed 0.00001.

Submissions (6):

PreventionGenetics, part of Exact Sciences
Classification: Uncertain significance for BARD1-related condition. Last evaluated: 2026-01-28. Review status: criteria provided, single submitter. Criteria: ACMG Guidelines, 2015. Collection method: clinical testing. Allele origin: germline.
Comment: The BARD1 c.473T>A variant is predicted to result in the amino acid substitution p.Val158Glu. To our knowledge, this variant has not been reported in the literature. This variant is reported in 0.011% of alleles in individuals of African descent in gnomAD. This variant is interpreted as uncertain significance in ClinVar (Variation ID: 182039). At this time, the clinical significance of this variant is uncertain due to the absence of conclusive functional and genetic evidence.

Ambry Genetics
Classification: Uncertain significance for Hereditary cancer-predisposing syndrome. Last evaluated: 2025-08-20. Review status: criteria provided, single submitter. Criteria: Ambry Variant Classification Scheme 2023. Collection method: clinical testing. Allele origin: germline.
Comment: The p.V158E variant (also known as c.473T>A), located in coding exon 4 of the BARD1 gene, results from a T to A substitution at nucleotide position 473. The valine at codon 158 is replaced by glutamic acid, an amino acid with dissimilar properties. This variant was not reported in population based cohorts in the following databases: Database of Single Nucleotide Polymorphisms (dbSNP), NHLBI Exome Sequencing Project (ESP), and 1000 Genomes Project. In the ESP, this variant was not observed in 6503 samples (13006 alleles) with coverage at this position. To date, this alteration has been detected with an allele frequency of approximately 0.001% (greater than 175000 alleles tested) in our clinical cohort. This nucleotide position is highly conserved in available vertebrate species. This amino acid position is not well conserved in available vertebrate species. In addition, the in silico prediction for this alteration is inconclusive. Since supporting evidence is limited at this time, the clinical significance of this alteration remains unclear.

Labcorp Genetics (formerly Invitae), Labcorp
Classification: Uncertain significance for Familial cancer of breast. Last evaluated: 2025-03-16. Review status: criteria provided, single submitter. Criteria: Invitae Variant Classification Sherloc (09022015). Collection method: clinical testing. Allele origin: germline.
Comment: This sequence change replaces valine, which is neutral and non-polar, with glutamic acid, which is acidic and polar, at codon 158 of the BARD1 protein (p.Val158Glu). The frequency data for this variant in the population databases is considered unreliable, as metrics indicate poor data quality at this position in the gnomAD database. This variant has not been reported in the literature in individuals affected with BARD1-related conditions. ClinVar contains an entry for this variant (Variation ID: 182039). An algorithm developed to predict the effect of missense changes on protein structure and function (PolyPhen-2) suggests that this variant is likely to be disruptive. In summary, the available evidence is currently insufficient to determine the role of this variant in disease. Therefore, it has been classified as a Variant of Uncertain Significance.

Color Diagnostics, LLC DBA Color Health
Classification: Uncertain significance for Hereditary cancer-predisposing syndrome. Last evaluated: 2023-12-04. Review status: criteria provided, single submitter. Criteria: ACMG Guidelines, 2015. Collection method: clinical testing. Allele origin: germline.
Comment: This missense variant replaces valine with glutamic acid at codon 158 of the BARD1 protein. Computational prediction suggests that this variant may not impact protein structure and function (internally defined REVEL score threshold <= 0.5, PMID: 27666373). To our knowledge, functional studies have not been reported for this variant. This variant has not been reported in individuals affected with BARD1-related disorders in the literature. This variant has been identified in 1/31380 chromosomes in the general population by the Genome Aggregation Database (gnomAD). The available evidence is insufficient to determine the role of this variant in disease conclusively. Therefore, this variant is classified as a Variant of Uncertain Significance.

GeneDx
Classification: Uncertain significance. Last evaluated: 2018-03-11. Review status: criteria provided, single submitter. Criteria: GeneDx Variant Classification (06012015). Collection method: clinical testing. Allele origin: germline. Affected: yes.
Comment: This variant is denoted BARD1 c.473T>A at the cDNA level, p.Val158Glu (V158E) at the protein level, and results in the change of a Valine to a Glutamic Acid (GTG>GAG). This variant has not, to our knowledge, been published in the literature as pathogenic or benign. BARD1 Val158Glu was not observed in large population cohorts (Lek 2016). Since Valine and Glutamic Acid differ in polarity, charge, size or other properties, this is considered a non-conservative amino acid substitution. BARD1 Val158Glu is not located in a known functional domain. In silico analysis, which includes protein predictors and evolutionary conservation, supports a deleterious effect. Based on currently available evidence, it is unclear whether BARD1 Val158Glu is a pathogenic or benign variant. We consider it to be a variant of uncertain significance.

Quest Diagnostics Nichols Institute San Juan Capistrano
Classification: Uncertain significance. Last evaluated: 2017-06-09. Review status: criteria provided, single submitter. Criteria: Quest Diagnostics criteria. Collection method: clinical testing. Allele origin: germline.